The following is an entry in ClinVar:

NM_004415.4(DSP):c.6504T>G (p.Ser2168Arg)

Gene: DSP (desmoplakin; plus strand). Cytogenetic location: 6p24.3.
Variant type: single nucleotide variant.
Coding change: c.6504T>G on transcript NM_004415.4 (MANE Select); coding-DNA position 6504, T replaced by G.
Protein change: p.Ser2168Arg; replaces serine 2168 with arginine.
Molecular consequence: missense variant.
Genome position (GRCh38, 1-based): chr6:7,583,766, T>G. VCF-style: chr6-7583766-T-G. GRCh37 (hg19) VCF-style: chr6-7583999-T-G.
Other names: c.4707T>G, p.Ser1569Arg (NM_001008844.3); c.5175T>G, p.Ser1725Arg (NM_001319034.2); short protein forms S1725R, S1569R, S2168R.
Identifiers: ClinVar variation 4785324 (VCV004785324.1).

ClinVar aggregate classification (germline): Uncertain significance (1 of 4 stars; one submission).

Conditions:
Arrhythmogenic cardiomyopathy with wooly hair and keratoderma. Also called: Carvajal syndrome; PALMOPLANTAR KERATODERMA WITH LEFT VENTRICULAR CARDIOMYOPATHY AND WOOLLY HAIR; Dilated cardiomyopathy with woolly hair and keratoderma; Arrhythmogenic cardiomyopathy with woolly hair and keratoderma. Identifiers: Orphanet 65282, MedGen C1854063, MONDO:0011581, OMIM 605676.
Arrhythmogenic right ventricular dysplasia 8 (ARVD8). Also called: Arrhythmogenic Right Ventricular Dysplasia/Cardiomyopathy 8; ARRHYTHMOGENIC RIGHT VENTRICULAR DYSPLASIA, FAMILIAL, 8; ARRHYTHMOGENIC RIGHT VENTRICULAR CARDIOMYOPATHY 8. Identifiers: MedGen C1843896, MONDO:0011831, OMIM 607450.

Submission:

Labcorp Genetics (formerly Invitae), Labcorp
Classification: Uncertain significance for Arrhythmogenic cardiomyopathy with wooly hair and keratoderma; Arrhythmogenic right ventricular dysplasia 8. Last evaluated: 2025-06-29. Review status: criteria provided, single submitter. Criteria: Invitae Variant Classification Sherloc (09022015). Collection method: clinical testing. Allele origin: germline.
Comment: This sequence change replaces serine, which is neutral and polar, with arginine, which is basic and polar, at codon 2168 of the DSP protein (p.Ser2168Arg). This variant is not present in population databases (gnomAD no frequency). This variant has not been reported in the literature in individuals affected with DSP-related conditions. An algorithm developed to predict the effect of missense changes on protein structure and function (PolyPhen-2) suggests that this variant is likely to be tolerated. In summary, the available evidence is currently insufficient to determine the role of this variant in disease. Therefore, it has been classified as a Variant of Uncertain Significance.